The following is an entry in ClinVar:

NM_016239.4(MYO15A):c.9223T>C (p.Phe3075Leu)

Gene: MYO15A (myosin XVA; plus strand). Cytogenetic location: 17p11.2.
Variant type: single nucleotide variant.
Coding change: c.9223T>C on transcript NM_016239.4 (MANE Select); coding-DNA position 9223, T replaced by C.
Protein change: p.Phe3075Leu; replaces phenylalanine 3075 with leucine.
Molecular consequence: missense variant.
Genome position (GRCh38, 1-based): chr17:18,159,341, T>C. VCF-style: chr17-18159341-T-C. GRCh37 (hg19) VCF-style: chr17-18062655-T-C.
Other names: short protein forms F3075L.
Identifiers: ClinVar variation 1675661 (VCV001675661.33), dbSNP rs2142393377, ClinGen allele CA398634144.

ClinVar aggregate classification (germline): Uncertain significance (1 of 4 stars; one submission).

Allele frequency attached by ClinVar (database versions not stated): gnomAD exomes below 0.00001.
gnomAD v4.1: 3 of 1,614,188 alleles (0.00019%); highest among the groups gnomAD compares: Non-Finnish European, 0.00025%; no homozygotes.

Submission:

CeGaT Center for Human Genetics Tuebingen
Classification: Uncertain significance. Last evaluated: 2022-03-01. Review status: criteria provided, single submitter. Criteria: CeGaT Center For Human Genetics Tuebingen Variant Classification Criteria Version 2. Collection method: clinical testing. Allele origin: germline. Affected: yes. Observed: 1 variant allele.
Comment: MYO15A: PM2, PP4